The following is an entry in ClinVar:

NM_004715.5(CTDP1):c.1166C>T (p.Ala389Val)

Gene: CTDP1 (CTD phosphatase subunit 1; plus strand). Cytogenetic location: 18q23.
Variant type: single nucleotide variant.
Coding change: c.1166C>T on transcript NM_004715.5 (MANE Select); coding-DNA position 1166, C replaced by T.
Protein change: p.Ala389Val; replaces alanine 389 with valine.
Molecular consequence: missense variant.
Genome position (GRCh38, 1-based): chr18:79,714,626, C>T. VCF-style: chr18-79714626-C-T. GRCh37 (hg19) VCF-style: chr18-77474626-C-T.
Other names: p.Ala389Val; c.809C>T, p.Ala270Val (NM_001202504.1); c.1166C>T, p.Ala389Val (NM_001318511.2, NM_048368.4); short protein forms A389V, A270V.
Identifiers: ClinVar variation 681639 (VCV000681639.3), dbSNP rs144647072, ClinGen allele CA9010232.

ClinVar aggregate classification (germline): Benign. Review status: criteria provided, multiple submitters, no conflicts (2 of 4 stars). 3 submissions from 3 submitters: Benign (3). Last evaluated 2018-05-10.

Allele frequency attached by ClinVar (database versions not stated): gnomAD 0.00968 and 0.01001; 1000 Genomes Project 0.01278; TOPMed 0.01611; ExAC 0.01629; 1000 Genomes Project 30x 0.01359; ESP Exome Variant Server 0.00131; gnomAD exomes 0.00501 and 0.02060.
gnomAD v4.1: 8,740 of 1,612,472 alleles (0.54%); highest among the groups gnomAD compares: Admixed American, 10%; 422 homozygotes.

Submissions (3):

GeneDx
Classification: Benign. Last evaluated: 2018-05-10. Review status: criteria provided, single submitter. Criteria: GeneDx Variant Classification (06012015). Collection method: clinical testing. Allele origin: germline. Affected: yes.
Comment: This variant is considered likely benign or benign based on one or more of the following criteria: it is a conservative change, it occurs at a poorly conserved position in the protein, it is predicted to be benign by multiple in silico algorithms, and/or has population frequency not consistent with disease.

Mayo Clinic Laboratories, Mayo Clinic
Classification: Benign. Last evaluated: 2017-10-27. Review status: criteria provided, single submitter. Criteria: ACMG Guidelines, 2015. Collection method: clinical testing. Allele origin: germline. Observed: 34 variant alleles.

Breakthrough Genomics
Classification: Benign. Review status: criteria provided, single submitter. Criteria: ACMG Guidelines, 2015. Collection method: not provided. Allele origin: germline. Inheritance: Autosomal recessive inheritance. Affected: yes.